The following is an entry in ClinVar:

ClinVar aggregate classification (germline): Uncertain significance. Review status: criteria provided, multiple submitters, no conflicts (2 of 4 stars). 3 submissions from 3 submitters: Uncertain significance (3). Last evaluated 2024-11-11.

Conditions:
Inborn genetic diseases. Identifiers: MedGen C0950123, MeSH D030342.
Finnish type amyloidosis. Also called: Lattice corneal dystrophy associated with familial systemic amyloidosis; Meretoja's syndrome; Lattice dystrophy of the cornea with hereditary generalized amyloidosis; AMYLOIDOSIS, HEREDITARY SYSTEMIC 4, FINNISH TYPE; AMYLOID CRANIAL NEUROPATHY WITH LATTICE CORNEAL DYSTROPHY; AMYLOIDOSIS DUE TO MUTANT GELSOLIN. Identifiers: Orphanet 85448, MedGen C1622345, MONDO:0007097, OMIM 105120.

Allele frequency attached by ClinVar (database versions not stated): ExAC 0.00002; gnomAD 0.00002 and 0.00003; gnomAD exomes 0.00002 and 0.00004; TOPMed 0.00005.
gnomAD v4.1: 67 of 1,613,878 alleles (0.0042%); highest among the groups gnomAD compares: Non-Finnish European, 0.0055%; no homozygotes.

Submissions (3):

Labcorp Genetics (formerly Invitae), Labcorp
Classification: Uncertain significance. Last evaluated: 2024-11-11. Review status: criteria provided, single submitter. Criteria: Invitae Variant Classification Sherloc (09022015). Collection method: clinical testing. Allele origin: germline.
Comment: This sequence change replaces isoleucine, which is neutral and non-polar, with leucine, which is neutral and non-polar, at codon 130 of the GSN protein (p.Ile130Leu). This variant is present in population databases (rs766055612, gnomAD 0.004%). This variant has not been reported in the literature in individuals affected with GSN-related conditions. ClinVar contains an entry for this variant (Variation ID: 1524125). An algorithm developed to predict the effect of missense changes on protein structure and function (PolyPhen-2) suggests that this variant is likely to be disruptive. In summary, the available evidence is currently insufficient to determine the role of this variant in disease. Therefore, it has been classified as a Variant of Uncertain Significance.

Ambry Genetics
Classification: Uncertain significance for Inborn genetic diseases. Last evaluated: 2022-07-17. Review status: criteria provided, single submitter. Criteria: Ambry Variant Classification Scheme 2023. Collection method: clinical testing. Allele origin: germline.
Comment: The p.I130L variant (also known as c.388A>C), located in coding exon 3 of the GSN gene, results from an A to C substitution at nucleotide position 388. The isoleucine at codon 130 is replaced by leucine, an amino acid with highly similar properties. This amino acid position is conserved. In addition, the in silico prediction for this alteration is inconclusive. Since supporting evidence is limited at this time, the clinical significance of this alteration remains unclear.

Fulgent Genetics
Classification: Uncertain significance for Finnish type amyloidosis. Last evaluated: 2021-09-28. Review status: criteria provided, single submitter. Criteria: ACMG Guidelines, 2015. Collection method: clinical testing. Allele origin: unknown.

NM_198252.3(GSN):c.235A>C (p.Ile79Leu)

Gene: GSN (gelsolin; plus strand). Cytogenetic location: 9q33.2.
Variant type: single nucleotide variant.
Coding change: c.235A>C on transcript NM_198252.3 (MANE Select); coding-DNA position 235, A replaced by C.
Protein change: p.Ile79Leu; replaces isoleucine 79 with leucine.
Molecular consequence: missense variant. On other transcripts: 5 prime UTR variant (1).
Genome position (GRCh38, 1-based): chr9:121,302,949, A>C. VCF-style: chr9-121302949-A-C. GRCh37 (hg19) VCF-style: chr9-124065227-A-C.
Other names: c.235A>C, p.Ile79Leu (NM_001353057.2, NM_001353058.2, NM_001353059.2 and 10 more transcripts); c.268A>C, p.Ile90Leu (NM_001353063.2, NM_001353064.2, NM_001127666.2 and 13 more transcripts); c.388A>C, p.Ile130Leu (NM_000177.5); c.343A>C, p.Ile115Leu (NM_001127663.2); c.286A>C, p.Ile96Leu (NM_001258029.2); c.259A>C, p.Ile87Leu (NM_001258030.2); c.307A>C, p.Ile103Leu (NM_001353076.2); c.-420A>C (NM_001353078.2); short protein forms I103L, I115L, I96L, I79L, I87L, I130L, I90L.
Identifiers: ClinVar variation 1524125 (VCV001524125.11), dbSNP rs766055612, ClinGen allele CA5220813.